The following is an entry in ClinVar:

ClinVar aggregate classification (germline): Likely benign (0 of 4 stars; one submission).

Conditions:
MPV17-related disorder. Also called: MPV17-related condition; MPV17-related disorders. Identifiers: MedGen CN239328.

gnomAD v4.1: 2 of 1,613,438 alleles (0.00012%); highest among the groups gnomAD compares: African/African-American, 0.0027%; no homozygotes.

Submission:

PreventionGenetics, part of Exact Sciences
Classification: Likely benign for MPV17-related condition. Last evaluated: 2024-04-22. Review status: no assertion criteria provided. Collection method: clinical testing. Allele origin: germline.
Comment: This variant is classified as likely benign based on ACMG/AMP sequence variant interpretation guidelines (Richards et al. 2015 PMID: 25741868, with internal and published modifications).

NM_002437.5(MPV17):c.70+8T>C

Gene: MPV17 (mitochondrial inner membrane protein MPV17; minus strand). Cytogenetic location: 2p23.3.
Variant type: single nucleotide variant.
Coding change: c.70+8T>C on transcript NM_002437.5 (MANE Select); 8 bases into the intron after coding-DNA position 70, T replaced by C.
Molecular consequence: intron variant.
Genome position (GRCh38, 1-based): chr2:27,322,440, A>G on the plus strand (T>C on the coding strand, the complement: MPV17 is on the minus strand). VCF-style: chr2-27322440-A-G. GRCh37 (hg19) VCF-style: chr2-27545307-A-G.
Identifiers: ClinVar variation 3356472 (VCV003356472.1).